The following is an entry in ClinVar:

ClinVar aggregate classification (germline): Uncertain significance. Review status: criteria provided, multiple submitters, no conflicts (2 of 4 stars). 5 submissions from 5 submitters: Uncertain significance (5). Last evaluated 2024-11-11.

Conditions:
Inborn genetic diseases. Identifiers: MedGen C0950123, MeSH D030342.

Allele frequency attached by ClinVar (database versions not stated): TOPMed below 0.00001.
gnomAD v4.1: 1 of 1,613,776 alleles (0.000062%); highest among the groups gnomAD compares: African/African-American, 0.0013%; no homozygotes.

Submissions (5):

GeneDx
Classification: Uncertain significance. Last evaluated: 2024-11-11. Review status: criteria provided, single submitter. Criteria: GeneDx Variant Classification Process June 2021. Collection method: clinical testing. Allele origin: germline. Affected: yes.
Comment: Not observed at significant frequency in large population cohorts (gnomAD); In silico analysis indicates that this missense variant does not alter protein structure/function; Has not been previously published as pathogenic or benign to our knowledge; This variant is associated with the following publications: (PMID: 25471517)

Ambry Genetics
Classification: Uncertain significance for Inborn genetic diseases. Last evaluated: 2024-05-16. Review status: criteria provided, single submitter. Criteria: Ambry Variant Classification Scheme 2023. Collection method: clinical testing. Allele origin: germline.

Blueprint Genetics
Classification: Uncertain significance. Last evaluated: 2023-11-23. Review status: criteria provided, single submitter. Criteria: ACMG Guidelines, 2015. Collection method: clinical testing. Allele origin: germline.

Labcorp Genetics (formerly Invitae), Labcorp
Classification: Uncertain significance. Last evaluated: 2021-09-01. Review status: criteria provided, single submitter. Criteria: Invitae Variant Classification Sherloc (09022015). Collection method: clinical testing. Allele origin: germline.

Mayo Clinic Laboratories, Mayo Clinic
Classification: Uncertain significance. Last evaluated: 2019-04-15. Review status: criteria provided, single submitter. Criteria: ACMG Guidelines, 2015. Collection method: clinical testing. Allele origin: germline. Observed: 1 variant allele.

NM_005051.3(QARS1):c.858C>A (p.Phe286Leu)

Gene: QARS1 (glutaminyl-tRNA synthetase 1; minus strand). Cytogenetic location: 3p21.31.
Variant type: single nucleotide variant.
Coding change: c.858C>A on transcript NM_005051.3 (MANE Select); coding-DNA position 858, C replaced by A.
Protein change: p.Phe286Leu; replaces phenylalanine 286 with leucine.
Molecular consequence: missense variant. On other transcripts: non-coding transcript variant (1).
Genome position (GRCh38, 1-based): chr3:49,101,373, G>T on the plus strand (C>A on the coding strand, the complement: QARS1 is on the minus strand). VCF-style: chr3-49101373-G-T. GRCh37 (hg19) VCF-style: chr3-49138806-G-T.
Other names: c.825C>A, p.Phe275Leu (NM_001272073.2); c.858C>A (NM_005051.1); short protein forms F286L, F275L.
Identifiers: ClinVar variation 477846 (VCV000477846.15), dbSNP rs1307590384, ClinGen allele CA352713965.